The following is an entry in ClinVar:

NM_003896.4(ST3GAL5):c.443C>T (p.Ala148Val)

Gene: ST3GAL5 (ST3 beta-galactoside alpha-2,3-sialyltransferase 5; minus strand). Cytogenetic location: 2p11.2.
Variant type: single nucleotide variant.
Coding change: c.443C>T on transcript NM_003896.4 (MANE Select); coding-DNA position 443, C replaced by T.
Protein change: p.Ala148Val; replaces alanine 148 with valine.
Molecular consequence: missense variant. On other transcripts: 5 prime UTR variant (1).
Genome position (GRCh38, 1-based): chr2:85,848,080, G>A on the plus strand (C>T on the coding strand, the complement: ST3GAL5 is on the minus strand). VCF-style: chr2-85848080-G-A. GRCh37 (hg19) VCF-style: chr2-86075203-G-A.
Other names: c.374C>T, p.Ala125Val (NM_001042437.2); c.59C>T, p.Ala20Val (NM_001354223.2, NM_001354224.2, NM_001354226.2 and 3 more transcripts); c.359C>T, p.Ala120Val (NM_001354227.2, NM_001354229.2, NM_001354238.1); c.-462C>T (NM_001354247.1); c.443C>T, p.Ala148Val (NM_001363847.1); short protein forms A120V, A125V, A148V, A20V.
Identifiers: ClinVar variation 1060857 (VCV001060857.9), dbSNP rs745590126, ClinGen allele CA1745037.
Genomic context (GRCh38, chr2:85,848,080, plus strand): 5'-GAGAACTTCCGGAACCCAAAAGGAGGATCGTACTTGGACTCAGCTTCACTGTCTTTGGGG[G>A]CCTTCTGCACAAAAGGGAGTAAGTCCACGCTATACCTGTGCTCAAATAACAGCGCCATTG-3'
Protein context (NP_003887.3, residues 138-158): SVDLLPFVQK[Ala148Val]PKDSEAESKY

ClinVar aggregate classification (germline): Uncertain significance (1 of 4 stars; one submission).

Conditions:
GM3 synthase deficiency (SPDRS). Also called: AMISH INFANTILE EPILEPSY SYNDROME; SALT AND PEPPER MENTAL RETARDATION SYNDROME; SALT AND PEPPER DEVELOPMENTAL REGRESSION SYNDROME. Identifiers: Orphanet 171714, Orphanet 370933, MedGen C1836824, MONDO:0018274, OMIM 609056.

Allele frequency attached by ClinVar (database versions not stated): ExAC 0.00001.
gnomAD v4.1: 2 of 1,614,154 alleles (0.00012%); highest among the groups gnomAD compares: Non-Finnish European, 0.000085%; no homozygotes.

Submission:

Labcorp Genetics (formerly Invitae), Labcorp
Classification: Uncertain significance for GM3 synthase deficiency. Last evaluated: 2020-10-29. Review status: criteria provided, single submitter. Criteria: Invitae Variant Classification Sherloc (09022015). Collection method: clinical testing. Allele origin: germline.
Comment: In summary, the available evidence is currently insufficient to determine the role of this variant in disease. Therefore, it has been classified as a Variant of Uncertain Significance. Algorithms developed to predict the effect of sequence changes on RNA splicing suggest that this variant may create or strengthen a splice site, but this prediction has not been confirmed by published transcriptional studies. This sequence change replaces alanine with valine at codon 148 of the ST3GAL5 protein (p.Ala148Val). The alanine residue is weakly conserved and there is a small physicochemical difference between alanine and valine. This variant is present in population databases (rs745590126, ExAC 0.001%). This variant has not been reported in the literature in individuals with ST3GAL5-related conditions. Algorithms developed to predict the effect of missense changes on protein structure and function output the following: SIFT: "Tolerated"; PolyPhen-2: "Benign"; Align-GVGD: "Class C0". The valine amino acid residue is found in multiple mammalian species, suggesting that this missense change does not adversely affect protein function. These predictions have not been confirmed by published functional studies and their clinical significance is uncertain.